The following is an entry in ClinVar:

NM_052845.4(MMAB):c.288T>C (p.Ile96=)

Gene: MMAB (metabolism of cobalamin associated B; minus strand). Cytogenetic location: 12q24.11.
Variant type: single nucleotide variant.
Coding change: c.288T>C on transcript NM_052845.4 (MANE Select); coding-DNA position 288, T replaced by C.
Protein change: p.Ile96=; no amino-acid change (isoleucine 96 retained).
Molecular consequence: synonymous variant. On other transcripts: non-coding transcript variant (1).
Genome position (GRCh38, 1-based): chr12:109,568,772, A>G on the plus strand (T>C on the coding strand, the complement: MMAB is on the minus strand). VCF-style: chr12-109568772-A-G. GRCh37 (hg19) VCF-style: chr12-110006577-A-G.
Other names: p.I96I:ATT>ATC.
Identifiers: ClinVar variation 96243 (VCV000096243.22), dbSNP rs62000414, ClinGen allele CA285760.

ClinVar aggregate classification (germline): Benign/Likely benign. Review status: criteria provided, multiple submitters, no conflicts (2 of 4 stars). 7 submissions from 7 submitters: Benign (5); Likely benign (1). 1 of the submissions does not count toward it. Last evaluated 2026-02-04.

Conditions:
Methylmalonic aciduria, cblB type (MACB). Also called: Methylmalonic acidemia cblB type; METHYLMALONIC ACIDURIA, VITAMIN B12-RESPONSIVE, DUE TO DEFECT IN SYNTHESIS OF ADENOSYLCOBALAMIN, cblB TYPE; Vitamin B12-responsive methylmalonic acidemia type cblB. Identifiers: Orphanet 28, Orphanet 79311, MedGen C1855102, MONDO:0009614, OMIM 251110.

Allele frequency attached by ClinVar (database versions not stated): gnomAD exomes 0.01023; ExAC 0.01268; gnomAD 0.03928 and 0.04206; 1000 Genomes Project 0.04333; TOPMed 0.04335; ESP Exome Variant Server 0.04429; 1000 Genomes Project 30x 0.05012.
gnomAD v4.1: 11,692 of 1,612,942 alleles (0.72%); highest among the groups gnomAD compares: African/African-American, 13%; 795 homozygotes.

Submissions (7):

Labcorp Genetics (formerly Invitae), Labcorp
Classification: Benign for Methylmalonic aciduria, cblB type. Last evaluated: 2026-02-04. Review status: criteria provided, single submitter. Criteria: Invitae Variant Classification Sherloc (09022015). Collection method: clinical testing. Allele origin: germline.

Illumina Laboratory Services, Illumina
Classification: Benign for Methylmalonic aciduria, cblB type. Last evaluated: 2018-01-13. Review status: criteria provided, single submitter. Criteria: ICSL Variant Classification Criteria 13 December 2019. Collection method: clinical testing. Allele origin: germline.
Comment: This variant was observed in the ICSL laboratory as part of a predisposition screen in an ostensibly healthy population. It had not been previously curated by ICSL or reported in the Human Gene Mutation Database (HGMD: prior to June 1st, 2018), and was therefore a candidate for classification through an automated scoring system. Utilizing variant allele frequency, disease prevalence and penetrance estimates, and inheritance mode, an automated score was calculated to assess if this variant is too frequent to cause the disease. Based on the score and internal cut-off values, a variant classified as benign is not then subjected to further curation. The score for this variant resulted in a classification of benign for this disease.

Eurofins Ntd Llc (ga)
Classification: Benign. Last evaluated: 2016-08-16. Review status: criteria provided, single submitter. Criteria: EGL Classification Definitions 2015. Collection method: clinical testing. Allele origin: germline. Observed: 4 variant alleles, 4 heterozygotes.

GeneDx
Classification: Benign. Last evaluated: 2013-11-26. Review status: criteria provided, single submitter. Criteria: GeneDx Variant Classification (06012015). Collection method: clinical testing. Allele origin: germline. Affected: yes.
Comment: This variant is considered likely benign or benign based on one or more of the following criteria: it is a conservative change, it occurs at a poorly conserved position in the protein, it is predicted to be benign by multiple in silico algorithms, and/or has population frequency not consistent with disease.

Breakthrough Genomics
Classification: Likely benign. Review status: criteria provided, single submitter. Criteria: ACMG Guidelines, 2015. Collection method: not provided. Allele origin: germline. Inheritance: Autosomal recessive inheritance. Affected: yes.

PreventionGenetics, part of Exact Sciences
Classification: Benign. Review status: criteria provided, single submitter. Criteria: ACMG Guidelines, 2015. Collection method: clinical testing. Allele origin: germline.

Natera, Inc.
Classification: Benign for Methylmalonic aciduria cblB type. Last evaluated: 2020-09-16. Review status: no assertion criteria provided. Collection method: clinical testing. Allele origin: germline. Not counted in ClinVar's aggregate classification.